The following is an entry in ClinVar:

ClinVar aggregate classification (germline): Uncertain significance (1 of 4 stars; one submission).

Conditions:
LAMA2-related muscular dystrophy (LAMA2-RD). Also called: Laminin alpha 2-related dystrophy. Identifiers: MedGen C5679788, MONDO:0100228.

gnomAD v4.1: 1 of 1,612,282 alleles (0.000062%); highest among the groups gnomAD compares: Non-Finnish European, 0.000085%; no homozygotes.

Submission:

Labcorp Genetics (formerly Invitae), Labcorp
Classification: Uncertain significance for LAMA2-related muscular dystrophy. Last evaluated: 2016-10-23. Review status: criteria provided, single submitter. Criteria: Invitae Variant Classification Sherloc (09022015). Collection method: clinical testing. Allele origin: germline.
Comment: This sequence change falls in intron 36 of the LAMA2 gene. It does not directly change the encoded amino acid sequence of the LAMA2 protein. This variant is not present in population databases (ExAC no frequency) and has not been reported in the literature in individuals with a LAMA2-related disease. Algorithms developed to predict the effect of sequence changes on RNA splicing suggest that this variant may alter RNA splicing, but this prediction has not been confirmed by published transcriptional studies. In summary, this is a novel intronic change with uncertain impact on splicing. It has been classified as a Variant of Uncertain Significance.

NM_000426.4(LAMA2):c.5235-3C>G

Gene: LAMA2 (laminin subunit alpha 2; plus strand). Cytogenetic location: 6q22.33.
Variant type: single nucleotide variant.
Coding change: c.5235-3C>G on transcript NM_000426.4 (MANE Select); 3 bases into the intron before coding-DNA position 5235, C replaced by G.
Molecular consequence: intron variant.
Genome position (GRCh38, 1-based): chr6:129,393,042, C>G. VCF-style: chr6-129393042-C-G. GRCh37 (hg19) VCF-style: chr6-129714187-C-G.
Other names: c.5235-3C>G (NM_001079823.2).
Identifiers: ClinVar variation 477485 (VCV000477485.2), dbSNP rs761823344, ClinGen allele CA658657615.
Genomic context (GRCh38, chr6:129,393,042, plus strand): 5'-CCAATAAACCCTAAGGCAGTGACATGAGCTCATTGTCTATTATTGGGCTGGGGGTGGTTA[C>G]AGAGCTGCAGAAGCCCTTCTGAAAAAAGTGAAGAAGCTGTTTGGAGAGTCCCGGGGGGAA-3'